The following is an entry in ClinVar:

NM_001551.3(IGBP1):c.380C>T (p.Pro127Leu)

Gene: IGBP1 (immunoglobulin binding protein 1; plus strand). Cytogenetic location: Xq13.1.
Variant type: single nucleotide variant.
Coding change: c.380C>T on transcript NM_001551.3 (MANE Select); coding-DNA position 380, C replaced by T.
Protein change: p.Pro127Leu; replaces proline 127 with leucine.
Molecular consequence: missense variant.
Genome position (GRCh38, 1-based): chrX:70,134,714, C>T. VCF-style: chrX-70134714-C-T. GRCh37 (hg19) VCF-style: chrX-69354564-C-T.
Other names: c.380C>T, p.Pro127Leu (NM_001370192.1, NM_001370193.1, NM_001370194.1); short protein forms P127L.
Identifiers: ClinVar variation 2632140 (VCV002632140.1), dbSNP rs2520551794, ClinGen allele CA413451670.

ClinVar aggregate classification (germline): Uncertain significance (1 of 4 stars; one submission).

Conditions:
IGBP1-related disorder. Also called: IGBP1-related condition.

Allele frequency attached by ClinVar (database versions not stated): gnomAD exomes below 0.00001.
gnomAD v4.1: 1 of 1,211,029 alleles (0.000083%); highest among the groups gnomAD compares: Non-Finnish European, 0.00011%; no homozygotes.

Submission:

PreventionGenetics, part of Exact Sciences
Classification: Uncertain significance for IGBP1-related condition. Last evaluated: 2023-01-09. Review status: criteria provided, single submitter. Criteria: ACMG Guidelines, 2015. Collection method: clinical testing. Allele origin: germline.
Comment: The IGBP1 c.380C>T variant is predicted to result in the amino acid substitution p.Pro127Leu. To our knowledge, this variant has not been reported in the literature or in a large population database, indicating this variant is rare. At this time, the clinical significance of this variant is uncertain due to the absence of conclusive functional and genetic evidence.